The following is an entry in ClinVar:

ClinVar aggregate classification (germline): Pathogenic (1 of 4 stars; one submission).

Conditions:
Hereditary spastic paraplegia 15 (SPG15). Also called: SPASTIC PARAPLEGIA 15, AUTOSOMAL RECESSIVE; KJELLIN SYNDROME; SPASTIC PARAPLEGIA AND RETINAL DEGENERATION. Identifiers: Orphanet 100996, MedGen C1849128, MONDO:0010044, OMIM 270700.

Submission:

Myriad Genetics, Inc.
Classification: Pathogenic for Hereditary spastic paraplegia 15. Last evaluated: 2025-07-26. Review status: criteria provided, single submitter. Criteria: Myriad Autosomal Dominant, Autosomal Recessive and X-Linked Classification Criteria (2023). Collection method: clinical testing. Allele origin: unknown.
Comment: NM_015346.3(ZFYVE26):c.6704delG(G2235Efs*4) is expected to be pathogenic in the context of spastic paraplegia type 15. This variant is predicted to lead to an abnormal or absent protein product due to the creation of a premature termination codon in ZFYVE26, a gene where loss-of-function variants are known to be pathogenic. Please note: this variant was assessed in the context of healthy population screening.

NM_015346.4(ZFYVE26):c.6704del (p.Gly2235fs)

Gene: ZFYVE26 (zinc finger FYVE-type containing 26; minus strand). Cytogenetic location: 14q24.1.
Variant type: Deletion.
Coding change: c.6704del on transcript NM_015346.4 (MANE Select); coding-DNA position 6704, one base deleted (G; older notation c.6704delG).
Protein change: p.Gly2235fs; shifts the reading frame from glycine 2235.
Molecular consequence: frameshift variant.
Genome position (GRCh38, 1-based): chr14:67,756,030, C deleted on the plus strand (G on the coding strand, the reverse complement: ZFYVE26 is on the minus strand); the first of 4 consecutive C bases (chr14:67,756,030-67,756,033); deleting any one gives the same sequence. VCF-style (leftmost placement, unchanged base first): chr14-67756029-TC-T. GRCh37 (hg19) VCF-style: chr14-68222746-TC-T.
Other names: short protein forms G2235fs.
Identifiers: ClinVar variation 5014778 (VCV005014778.1).